The following is an entry in ClinVar:

NM_021942.6(TRAPPC11):c.16T>C (p.Trp6Arg)

Gene: TRAPPC11 (trafficking protein particle complex subunit 11; plus strand). Cytogenetic location: 4q35.1.
Variant type: single nucleotide variant.
Coding change: c.16T>C on transcript NM_021942.6 (MANE Select); coding-DNA position 16, T replaced by C.
Protein change: p.Trp6Arg; replaces tryptophan 6 with arginine.
Molecular consequence: missense variant.
Genome position (GRCh38, 1-based): chr4:183,663,883, T>C. VCF-style: chr4-183663883-T-C. GRCh37 (hg19) VCF-style: chr4-184585036-T-C.
Other names: c.16T>C, p.Trp6Arg (NM_199053.3); short protein forms W6R.
Identifiers: ClinVar variation 1446224 (VCV001446224.7), dbSNP rs981293069, ClinGen allele CA111832911.
Genomic context (GRCh38, chr4:183,663,883, plus strand): 5'-AATGTATTAACATTTGTATTTCAGGTTTTTTGTGACATCGTAAACATGAGCCCCACACAG[T>C]GGGACTTCCCTGTGGAATTATGTTGCCGGCCTATGGCCTTTGTTACTCTAACGGGCCTGG-3'
Protein context (NP_068761.4, residues 1-16): MSPTQ[Trp6Arg]DFPVELCCRP

ClinVar aggregate classification (germline): Uncertain significance. Review status: criteria provided, multiple submitters, no conflicts (2 of 4 stars). 2 submissions from 2 submitters: Uncertain significance (2). Last evaluated 2023-08-02.

Conditions:
Autosomal recessive limb-girdle muscular dystrophy type R18 (LGMDR18). Also called: Limb-girdle muscular dystrophy, type 2S; Autosomal recessive limb-girdle muscular dystrophy type 2S; MUSCULAR DYSTROPHY, LIMB-GIRDLE, AUTOSOMAL RECESSIVE 18. Identifiers: Orphanet 369840, MedGen C4517996, MONDO:0014144, OMIM 615356.

Allele frequency attached by ClinVar (database versions not stated): gnomAD exomes 0.00001.
gnomAD v4.1: 3 of 1,613,960 alleles (0.00019%); highest among the groups gnomAD compares: East Asian, 0.0067%; no homozygotes.

Submissions (2):

Revvity Omics, Revvity
Classification: Uncertain significance for Autosomal recessive limb-girdle muscular dystrophy type R18. Last evaluated: 2023-08-02. Review status: criteria provided, single submitter. Criteria: ACMG Guidelines, 2015. Collection method: clinical testing. Allele origin: germline.

Labcorp Genetics (formerly Invitae), Labcorp
Classification: Uncertain significance for Autosomal recessive limb-girdle muscular dystrophy type R18. Last evaluated: 2021-08-24. Review status: criteria provided, single submitter. Criteria: Invitae Variant Classification Sherloc (09022015). Collection method: clinical testing. Allele origin: germline.
Comment: This sequence change replaces tryptophan with arginine at codon 6 of the TRAPPC11 protein (p.Trp6Arg). The tryptophan residue is highly conserved and there is a moderate physicochemical difference between tryptophan and arginine. This variant is not present in population databases (ExAC no frequency). This variant has not been reported in the literature in individuals affected with TRAPPC11-related conditions. Algorithms developed to predict the effect of missense changes on protein structure and function are either unavailable or do not agree on the potential impact of this missense change (SIFT: "Tolerated"; PolyPhen-2: "Possibly Damaging"; Align-GVGD: "Class C0"). In summary, the available evidence is currently insufficient to determine the role of this variant in disease. Therefore, it has been classified as a Variant of Uncertain Significance.